The following is an entry in ClinVar:

NM_006907.4(PYCR1):c.916A>T (p.Thr306Ser)

Gene: PYCR1 (pyrroline-5-carboxylate reductase 1; minus strand). Cytogenetic location: 17q25.3.
Variant type: single nucleotide variant.
Coding change: c.916A>T on transcript NM_006907.4 (MANE Select); coding-DNA position 916, A replaced by T.
Protein change: p.Thr306Ser; replaces threonine 306 with serine.
Molecular consequence: missense variant. On other transcripts: 3 prime UTR variant (1), intron variant (1).
Genome position (GRCh38, 1-based): chr17:81,933,258, T>A on the plus strand (A>T on the coding strand, the complement: PYCR1 is on the minus strand). VCF-style: chr17-81933258-T-A. GRCh37 (hg19) VCF-style: chr17-79891134-T-A.
Other names: c.823A>T, p.Thr275Ser (NM_001282279.2); c.916A>T, p.Thr306Ser (NM_001282280.2); c.997A>T, p.Thr333Ser (NM_001282281.2); c.*98A>T (NM_001330523.2); c.867+49A>T (NM_153824.3); short protein forms T275S, T306S, T333S.
Identifiers: ClinVar variation 4532663 (VCV004532663.1).

ClinVar aggregate classification (germline): Uncertain significance (1 of 4 stars; one submission).

gnomAD v4.1: 3 of 1,613,998 alleles (0.00019%); highest among the groups gnomAD compares: Non-Finnish European, 0.00025%; no homozygotes.

Submission:

GeneDx
Classification: Uncertain significance. Last evaluated: 2025-05-30. Review status: criteria provided, single submitter. Criteria: GeneDx Variant Classification Process June 2021. Collection method: clinical testing. Allele origin: germline. Affected: yes.
Comment: Not observed at significant frequency in large population cohorts (gnomAD); In silico analysis suggests that this missense variant does not alter protein structure/function; Has not been previously published as pathogenic or benign to our knowledge